The following is an entry in ClinVar:

NM_001903.5(CTNNA1):c.639C>A (p.Ile213=)

Gene: CTNNA1 (catenin alpha 1; plus strand). Cytogenetic location: 5q31.2.
Variant type: single nucleotide variant.
Coding change: c.639C>A on transcript NM_001903.5 (MANE Select); coding-DNA position 639, C replaced by A.
Protein change: p.Ile213=; no amino-acid change (isoleucine 213 retained).
Molecular consequence: synonymous variant.
Genome position (GRCh38, 1-based): chr5:138,824,580, C>A. VCF-style: chr5-138824580-C-A. GRCh37 (hg19) VCF-style: chr5-138160269-C-A.
Other names: c.639C>A, p.Ile213= (NM_001290307.3, NM_001323982.2, NM_001323983.1 and 3 more transcripts); c.330C>A, p.Ile110= (NM_001290309.3); c.270C>A, p.Ile90= (NM_001290310.3).
Identifiers: ClinVar variation 2912766 (VCV002912766.4), dbSNP rs2532423676, ClinGen allele CA446594365.

ClinVar aggregate classification (germline): Benign/Likely benign. Review status: criteria provided, multiple submitters, no conflicts (2 of 4 stars). 2 submissions from 2 submitters: Benign (1); Likely benign (1). Last evaluated 2024-10-10.

Conditions:
Hereditary diffuse gastric adenocarcinoma (HDGC). Also called: DIFFUSE GASTRIC AND LOBULAR BREAST CANCER SYNDROME. Identifiers: Orphanet 26106, MedGen C1708349, MONDO:0007648, OMIM 137215.

Submissions (2):

Myriad Genetics, Inc.
Classification: Benign for Hereditary diffuse gastric adenocarcinoma. Last evaluated: 2024-10-10. Review status: criteria provided, single submitter. Criteria: Myriad Autosomal Dominant, Autosomal Recessive and X-Linked Classification Criteria (2023). Collection method: clinical testing. Allele origin: unknown.
Comment: This variant is considered benign. This variant is a silent/synonymous amino acid change and it is not expected to impact splicing.

Labcorp Genetics (formerly Invitae), Labcorp
Classification: Likely benign. Last evaluated: 2023-03-09. Review status: criteria provided, single submitter. Criteria: Invitae Variant Classification Sherloc (09022015). Collection method: clinical testing. Allele origin: germline.